The following is an entry in ClinVar:

NM_004006.3(DMD):c.2168+1G>A

Gene: DMD (dystrophin; minus strand). Cytogenetic location: Xp21.1.
Variant type: single nucleotide variant.
Coding change: c.2168+1G>A on transcript NM_004006.3 (MANE Select); the canonical splice donor site of the intron after coding-DNA position 2168, G replaced by A.
Molecular consequence: splice donor variant.
Genome position (GRCh38, 1-based): chrX:32,545,158, C>T on the plus strand (G>A on the coding strand, the complement: DMD is on the minus strand). VCF-style: chrX-32545158-C-T. GRCh37 (hg19) VCF-style: chrX-32563275-C-T.
Other names: c.2144+1G>A (NM_000109.4); c.2156+1G>A (NM_004009.3); c.1799+1G>A (NM_004010.3).
Identifiers: ClinVar variation 373091 (VCV000373091.13), dbSNP rs1057518207, ClinGen allele CA16043316.

ClinVar aggregate classification (germline): Pathogenic. Review status: criteria provided, multiple submitters, no conflicts (2 of 4 stars). 4 submissions from 4 submitters: Pathogenic (4). Last evaluated 2025-05-05.

Conditions:
Duchenne muscular dystrophy (DMD). Also called: MUSCULAR DYSTROPHY, PSEUDOHYPERTROPHIC PROGRESSIVE, DUCHENNE TYPE; Duchenne Muscular Dystrophy (DMD). Identifiers: Orphanet 98896, MedGen C0013264, MONDO:0010679, OMIM 310200.

Submissions (4):

Labcorp Genetics (formerly Invitae), Labcorp
Classification: Pathogenic for Duchenne muscular dystrophy. Last evaluated: 2025-05-05. Review status: criteria provided, single submitter. Criteria: Invitae Variant Classification Sherloc (09022015). Collection method: clinical testing. Allele origin: germline.
Comment: This sequence change affects a donor splice site in intron 17 of the DMD gene. It is expected to disrupt RNA splicing. Variants that disrupt the donor or acceptor splice site typically lead to a loss of protein function (PMID: 16199547), and loss-of-function variants in DMD are known to be pathogenic (PMID: 16770791, 25007885). This variant is not present in population databases (gnomAD no frequency). Disruption of this splice site has been observed in individuals with Duchenne muscular dystrophy (PMID: 21520333, 32194622; internal data). ClinVar contains an entry for this variant (Variation ID: 373091). Algorithms developed to predict the effect of sequence changes on RNA splicing suggest that this variant may disrupt the consensus splice site. For these reasons, this variant has been classified as Pathogenic.

3billion
Classification: Pathogenic for Duchenne muscular dystrophy. Last evaluated: 2024-08-12. Review status: criteria provided, single submitter. Criteria: ACMG Guidelines, 2015. Collection method: clinical testing. Allele origin: germline. Affected: yes.
Comment: The variant is not observed in the gnomAD v4.0.0 dataset. Predicted Consequence/Location: Canonical splice site: predicted to alter splicing and result in a loss or disruption of normal protein function. Multiple pathogenic loss-of-function variants are reported downstream of the variant. In silico tools predict the variant to alter splicing and produce an abnormal transcript [SpliceAI: 0.99 (spliceogenicity >=0.2, non-spliceogenicity <0.1)]. The variant has been reported at least twice as pathogenic with clinical assertions and evidence for the classification (ClinVar ID: VCV000373091 /PMID: 32194622 /3billion dataset). Therefore, this variant is classified as Pathogenic according to the recommendation of ACMG/AMP guideline.

GeneDx
Classification: Pathogenic. Last evaluated: 2022-11-01. Review status: criteria provided, single submitter. Criteria: GeneDx Variant Classification Process June 2021. Collection method: clinical testing. Allele origin: germline. Affected: yes.
Comment: Canonical splice site variant predicted to result in a null allele in a gene for which loss of function is a known mechanism of disease; Not observed at significant frequency in large population cohorts (gnomAD); This variant is associated with the following publications: (PMID: 32194622, 34629887, 34327855)

Neuberg Centre For Genomic Medicine, NCGM
Classification: Pathogenic for Duchenne muscular dystrophy. Review status: criteria provided, single submitter. Criteria: ACMG Guidelines, 2015. Collection method: clinical testing. Allele origin: germline. Inheritance: X-linked recessive inheritance. Affected: yes.
Comment: The splice donor variant c.2168+1G>A in DMD gene has been reported in homozygous state in individuals with Muscular dystrophy Neri M, et al., 2020,Triana-Fonseca P, et al., 2021. The variant is novel not in any individuals in gnomAD Exomes and in 1000 Genomes. This variant has been reported to the ClinVar database as Pathogenic. The variant affects the GT donor splice site downstream of exon 17. This variant is predicted to cause loss of normal protein function through protein truncation. Loss of function variants have been previously reported to be disease causing Santos R, et al., 2014. For these reasons, this variant has been classified as Pathogenic.

Literature cited by the submitters: PubMed 16199547 (cited by Labcorp Genetics (formerly Invitae), Labcorp); PubMed 16770791 (cited by Labcorp Genetics (formerly Invitae), Labcorp); PubMed 25007885 (cited by Labcorp Genetics (formerly Invitae), Labcorp); PubMed 21520333 (cited by Labcorp Genetics (formerly Invitae), Labcorp); PubMed 32194622 (cited by Labcorp Genetics (formerly Invitae), Labcorp and 3billion).